The following is an entry in ClinVar:

ClinVar aggregate classification (germline): Uncertain significance (1 of 4 stars; one submission).

Submission:

Labcorp Genetics (formerly Invitae), Labcorp
Classification: Uncertain significance. Last evaluated: 2025-04-30. Review status: criteria provided, single submitter. Criteria: Invitae Variant Classification Sherloc (09022015). Collection method: clinical testing. Allele origin: germline.
Comment: This variant, c.318_332dup, results in the insertion of 5 amino acid(s) of the KRT1 protein (p.Phe109_Gly113dup), but otherwise preserves the integrity of the reading frame. The frequency data for this variant in the population databases is considered unreliable, as metrics indicate poor data quality at this position in the gnomAD database. This variant has not been reported in the literature in individuals affected with KRT1-related conditions. Experimental studies and prediction algorithms are not available or were not evaluated, and the functional significance of this variant is currently unknown. In summary, the available evidence is currently insufficient to determine the role of this variant in disease. Therefore, it has been classified as a Variant of Uncertain Significance.

NM_006121.4(KRT1):c.288TGGTGGCTTTGGTGG[4] (p.Gly113_Ile114insPheGlyGlyGlyGly)

Gene: KRT1 (keratin 1; minus strand). Cytogenetic location: 12q13.13.
Variant type: Microsatellite.
Coding change: c.288TGGTGGCTTTGGTGG[4] on transcript NM_006121.4 (MANE Select); four copies in a row of the 15-base unit TGGTGGCTTTGGTGG starting at c.288; the reference has three copies in a row; one copy, 15 bases duplicated.
Protein change: p.Gly113_Ile114insPheGlyGlyGlyGly.
Molecular consequence: inframe insertion.
Genome position (GRCh38, 1-based): chr12:52,680,017-52,680,031, CCACCAAAGCCACCA duplicated on the plus strand (TGGTGGCTTTGGTGG on the coding strand, the reverse complement: KRT1 is on the minus strand); duplicating any 15 consecutive bases within chr12:52,680,017-52,680,067 gives the same sequence; the position shown is the placement nearest the transcript's 3' end. VCF-style (leftmost placement, unchanged base first): chr12-52680016-T-TCCACCAAAGCCACCA. GRCh37 (hg19) VCF-style: chr12-53073800-T-TCCACCAAAGCCACCA.
Identifiers: ClinVar variation 4706527 (VCV004706527.1).